The following is an entry in ClinVar:

ClinVar aggregate classification (germline): Uncertain significance (1 of 4 stars; one submission).

Conditions:
Norman-Roberts syndrome (LIS2). Also called: Lissencephaly 2 (Norman-Roberts type). Identifiers: Orphanet 89844, MedGen C0796089, MONDO:0009760, OMIM 257320.
Familial temporal lobe epilepsy 7. Identifiers: Orphanet 101046, MedGen C4225327, MONDO:0014639, OMIM 616436.

Allele frequency attached by ClinVar (database versions not stated): gnomAD exomes below 0.00001.
gnomAD v4.1: 1 of 1,613,896 alleles (0.000062%); highest among the groups gnomAD compares: East Asian, 0.0022%; no homozygotes.

Submission:

Labcorp Genetics (formerly Invitae), Labcorp
Classification: Uncertain significance for Familial temporal lobe epilepsy 7; Norman-Roberts syndrome. Last evaluated: 2022-10-17. Review status: criteria provided, single submitter. Criteria: Invitae Variant Classification Sherloc (09022015). Collection method: clinical testing. Allele origin: germline.
Comment: This variant is present in population databases (no rsID available, gnomAD 0.006%). This sequence change falls in intron 29 of the RELN gene. It does not directly change the encoded amino acid sequence of the RELN protein. It affects a nucleotide within the consensus splice site. This variant has not been reported in the literature in individuals affected with RELN-related conditions. ClinVar contains an entry for this variant (Variation ID: 1488813). Variants that disrupt the consensus splice site are a relatively common cause of aberrant splicing (PMID: 17576681, 9536098). Algorithms developed to predict the effect of sequence changes on RNA splicing suggest that this variant may disrupt the consensus splice site. In summary, the available evidence is currently insufficient to determine the role of this variant in disease. Therefore, it has been classified as a Variant of Uncertain Significance.

Literature cited by the submitters: PubMed 17576681; PubMed 9536098.

NM_005045.4(RELN):c.4303+5G>A

Gene: RELN (reelin; minus strand). Cytogenetic location: 7q22.1.
Variant type: single nucleotide variant.
Coding change: c.4303+5G>A on transcript NM_005045.4 (MANE Select); 5 bases into the intron after coding-DNA position 4303, G replaced by A.
Molecular consequence: intron variant.
Genome position (GRCh38, 1-based): chr7:103,575,543, C>T on the plus strand (G>A on the coding strand, the complement: RELN is on the minus strand). VCF-style: chr7-103575543-C-T. GRCh37 (hg19) VCF-style: chr7-103215990-C-T.
Other names: c.4303+5G>A (NM_173054.3).
Identifiers: ClinVar variation 1488813 (VCV001488813.6), dbSNP rs1374880951, ClinGen allele CA576946286.